The following is an entry in ClinVar:

NM_001378030.1(CCDC78):c.1126G>A (p.Glu376Lys)

Gene: CCDC78 (coiled-coil domain containing 78; minus strand). Cytogenetic location: 16p13.3.
Variant type: single nucleotide variant.
Coding change: c.1126G>A on transcript NM_001378030.1 (MANE Select); coding-DNA position 1126, G replaced by A.
Protein change: p.Glu376Lys; replaces glutamic acid 376 with lysine.
Molecular consequence: missense variant. On other transcripts: non-coding transcript variant (5), intron variant (1).
Genome position (GRCh38, 1-based): chr16:723,864, C>T on the plus strand (G>A on the coding strand, the complement: CCDC78 is on the minus strand). VCF-style: chr16-723864-C-T. GRCh37 (hg19) VCF-style: chr16-773864-C-T.
Other names: c.1126G>A, p.Glu376Lys (NM_001031737.3); c.559G>A, p.Glu187Lys (NM_001378033.1); c.953+458G>A (NM_001378031.1); short protein forms E187K, E376K.
Identifiers: ClinVar variation 4768840 (VCV004768840.1).

ClinVar aggregate classification (germline): Uncertain significance (1 of 4 stars; one submission).

Conditions:
Congenital myopathy with internal nuclei and atypical cores. Also called: Myopathy, centronuclear, 4. Identifiers: Orphanet 319160, MedGen C4707232, MONDO:0013890, OMIM 614807.

Submission:

Labcorp Genetics (formerly Invitae), Labcorp
Classification: Uncertain significance for Congenital myopathy with internal nuclei and atypical cores. Last evaluated: 2026-02-02. Review status: criteria provided, single submitter. Criteria: Invitae Variant Classification Sherloc (09022015). Collection method: clinical testing. Allele origin: germline.
Comment: This sequence change replaces glutamic acid, which is acidic and polar, with lysine, which is basic and polar, at codon 376 of the CCDC78 protein (p.Glu376Lys). This variant is not present in population databases (gnomAD no frequency). This variant has not been reported in the literature in individuals affected with CCDC78-related conditions. Invitae Evidence Modeling of protein sequence and biophysical properties (such as structural, functional, and spatial information, amino acid conservation, physicochemical variation, residue mobility, and thermodynamic stability) indicates that this missense variant is not expected to disrupt CCDC78 protein function with a negative predictive value of 80%. In summary, the available evidence is currently insufficient to determine the role of this variant in disease. Therefore, it has been classified as a Variant of Uncertain Significance.